The following is an entry in ClinVar:

NM_020631.6(PLEKHG5):c.1588C>T (p.Arg530Trp)

Gene: PLEKHG5 (pleckstrin homology and RhoGEF domain containing G5; minus strand). Cytogenetic location: 1p36.31.
Variant type: single nucleotide variant.
Coding change: c.1588C>T on transcript NM_020631.6 (MANE Select); coding-DNA position 1588, C replaced by T.
Protein change: p.Arg530Trp; replaces arginine 530 with tryptophan.
Molecular consequence: missense variant.
Genome position (GRCh38, 1-based): chr1:6,470,598, G>A on the plus strand (C>T on the coding strand, the complement: PLEKHG5 is on the minus strand). VCF-style: chr1-6470598-G-A. GRCh37 (hg19) VCF-style: chr1-6530658-G-A.
Other names: c.1699C>T, p.Arg567Trp (NM_001042663.3, NM_001265592.2); c.1588C>T, p.Arg530Trp (NM_001042664.2, NM_001042665.2, NM_001265594.3 and 1 more transcripts); c.1795C>T, p.Arg599Trp (NM_001265593.2); short protein forms R530W, R567W, R599W.
Identifiers: ClinVar variation 1041338 (VCV001041338.9), dbSNP rs1480269028, ClinGen allele CA338125580.

ClinVar aggregate classification (germline): Uncertain significance. Review status: criteria provided, multiple submitters, no conflicts (2 of 4 stars). 2 submissions from 2 submitters: Uncertain significance (2). Last evaluated 2025-10-22.

Conditions:
Inborn genetic diseases. Identifiers: MedGen C0950123, MeSH D030342.
Neuronopathy, distal hereditary motor, autosomal recessive 4. Also called: NEUROPATHY, DISTAL HEREDITARY MOTOR, AUTOSOMAL RECESSIVE 4; Autosomal recessive lower motor neuron disease with childhood onset. Identifiers: Orphanet 206580, MedGen C1970211, MONDO:0012608, OMIM 611067.
Charcot-Marie-Tooth disease recessive intermediate C. Also called: CHARCOT-MARIE-TOOTH NEUROPATHY, RECESSIVE INTERMEDIATE C. Identifiers: Orphanet 369867, MedGen C3809309, MONDO:0014154, OMIM 615376.

Allele frequency attached by ClinVar (database versions not stated): TOPMed 0.00001.
gnomAD v4.1: 12 of 1,601,020 alleles (0.00075%); highest among the groups gnomAD compares: African/African-American, 0.0013%; no homozygotes.

Submissions (2):

Ambry Genetics
Classification: Uncertain significance for Inborn genetic diseases. Last evaluated: 2025-10-22. Review status: criteria provided, single submitter. Criteria: Ambry Variant Classification Scheme 2023. Collection method: clinical testing. Allele origin: germline.

Labcorp Genetics (formerly Invitae), Labcorp
Classification: Uncertain significance for Neuronopathy, distal hereditary motor, autosomal recessive 4; Charcot-Marie-Tooth disease recessive intermediate C. Last evaluated: 2021-08-31. Review status: criteria provided, single submitter. Criteria: Invitae Variant Classification Sherloc (09022015). Collection method: clinical testing. Allele origin: germline.
Comment: This sequence change replaces arginine with tryptophan at codon 530 of the PLEKHG5 protein (p.Arg530Trp). The arginine residue is moderately conserved and there is a moderate physicochemical difference between arginine and tryptophan. This variant is not present in population databases (ExAC no frequency). This variant has not been reported in the literature in individuals affected with PLEKHG5-related conditions. Algorithms developed to predict the effect of missense changes on protein structure and function are either unavailable or do not agree on the potential impact of this missense change (SIFT: "Deleterious"; PolyPhen-2: "Probably Damaging"; Align-GVGD: "Class C0"). In summary, the available evidence is currently insufficient to determine the role of this variant in disease. Therefore, it has been classified as a Variant of Uncertain Significance.